The following is an entry in ClinVar:

ClinVar aggregate classification (germline): Conflicting classifications of pathogenicity. Review status: criteria provided, conflicting classifications (1 of 4 stars). 2 submissions from 2 submitters: Likely pathogenic (1); Uncertain significance (1). Last evaluated 2024-02-08.

gnomAD v4.1: 7 of 1,606,644 alleles (0.00044%); highest among the groups gnomAD compares: African/African-American, 0.004%; no homozygotes.

Submissions (2):

GeneDx
Classification: Uncertain significance. Last evaluated: 2024-02-08. Review status: criteria provided, single submitter. Criteria: GeneDx Variant Classification Process June 2021. Collection method: clinical testing. Allele origin: germline. Affected: yes.
Comment: Canonical splice site variant predicted to result in an in-frame loss of the adjacent exon in a gene for which loss of function is a known mechanism of disease; Has not been previously published as pathogenic or benign to our knowledge

Labcorp Genetics (formerly Invitae), Labcorp
Classification: Likely pathogenic. Last evaluated: 2023-10-16. Review status: criteria provided, single submitter. Criteria: Invitae Variant Classification Sherloc (09022015). Collection method: clinical testing. Allele origin: germline.
Comment: This sequence change affects a donor splice site in intron 24 of the COL18A1 gene. It is expected to disrupt RNA splicing. Variants that disrupt the donor or acceptor splice site typically lead to a loss of protein function (PMID: 16199547), and loss-of-function variants in COL18A1 are known to be pathogenic (PMID: 12415512, 25456301). This variant is present in population databases (rs151228115, gnomAD 0.008%). This variant has not been reported in the literature in individuals affected with COL18A1-related conditions. ClinVar contains an entry for this variant (Variation ID: 2098103). Algorithms developed to predict the effect of sequence changes on RNA splicing suggest that this variant may disrupt the consensus splice site. In summary, the currently available evidence indicates that the variant is pathogenic, but additional data are needed to prove that conclusively. Therefore, this variant has been classified as Likely Pathogenic.

Literature cited by the submitters: PubMed 16199547 (cited by Labcorp Genetics (formerly Invitae), Labcorp); PubMed 12415512 (cited by Labcorp Genetics (formerly Invitae), Labcorp); PubMed 25456301 (cited by Labcorp Genetics (formerly Invitae), Labcorp).

NM_001379500.1(COL18A1):c.2214+1G>C

Gene: COL18A1 (collagen type XVIII alpha 1 chain; plus strand). Cytogenetic location: 21q22.3.
Variant type: single nucleotide variant.
Coding change: c.2214+1G>C on transcript NM_001379500.1 (MANE Select); the canonical splice donor site of the intron after coding-DNA position 2214, G replaced by C.
Molecular consequence: splice donor variant.
Genome position (GRCh38, 1-based): chr21:45,492,714, G>C. VCF-style: chr21-45492714-G-C. GRCh37 (hg19) VCF-style: chr21-46912628-G-C.
Other names: c.3459+1G>C (NM_130444.3); c.2754+1G>C (NM_030582.4).
Identifiers: ClinVar variation 2098103 (VCV002098103.5), dbSNP rs151228115, ClinGen allele CA10066922.